The following is an entry in ClinVar:

NM_000393.5(COL5A2):c.98-240A>T

Gene: COL5A2 (collagen type V alpha 2 chain; minus strand). Cytogenetic location: 2q32.2.
Variant type: single nucleotide variant.
Coding change: c.98-240A>T on transcript NM_000393.5 (MANE Select); 240 bases into the intron before coding-DNA position 98, A replaced by T.
Molecular consequence: intron variant.
Genome position (GRCh38, 1-based): chr2:189,110,689, T>A on the plus strand (A>T on the coding strand, the complement: COL5A2 is on the minus strand). VCF-style: chr2-189110689-T-A. GRCh37 (hg19) VCF-style: chr2-189975415-T-A.
Identifiers: ClinVar variation 679168 (VCV000679168.1), dbSNP rs7568732, ClinGen allele CA62585763.

ClinVar aggregate classification (germline): Benign (1 of 4 stars; one submission).

Allele frequency attached by ClinVar (database versions not stated): 1000 Genomes Project 30x 0.64116; 1000 Genomes Project 0.64537; TOPMed 0.69448; gnomAD 0.71251 and 0.71351.
gnomAD v4.1: 108,399 of 152,046 alleles (71%); highest among the groups gnomAD compares: Non-Finnish European, 81%; 39,617 homozygotes.

Submission:

GeneDx
Classification: Benign. Last evaluated: 2018-06-14. Review status: criteria provided, single submitter. Criteria: GeneDx Variant Classification (06012015). Collection method: clinical testing. Allele origin: germline. Affected: yes.
Comment: This variant is considered likely benign or benign based on one or more of the following criteria: it is a conservative change, it occurs at a poorly conserved position in the protein, it is predicted to be benign by multiple in silico algorithms, and/or has population frequency not consistent with disease.